The following is an entry in ClinVar:

ClinVar aggregate classification (germline): Uncertain significance (1 of 4 stars; one submission).

Submission:

GeneDx
Classification: Uncertain significance. Last evaluated: 2026-04-02. Review status: criteria provided, single submitter. Criteria: GeneDx Variant Classification Process June 2021. Collection method: clinical testing. Allele origin: germline.
Comment: Not observed at significant frequency in large population cohorts (gnomAD); In silico analysis supports that this missense variant has a deleterious effect on protein structure/function; Has not been previously published as pathogenic or benign to our knowledge

NM_014991.6(WDFY3):c.9551T>C (p.Ile3184Thr)

Gene: WDFY3 (WD repeat and FYVE domain containing 3; minus strand). Cytogenetic location: 4q21.23.
Variant type: single nucleotide variant.
Coding change: c.9551T>C on transcript NM_014991.6 (MANE Select); coding-DNA position 9551, T replaced by C.
Protein change: p.Ile3184Thr; replaces isoleucine 3184 with threonine.
Molecular consequence: missense variant.
Genome position (GRCh38, 1-based): chr4:84,684,118, A>G on the plus strand (T>C on the coding strand, the complement: WDFY3 is on the minus strand). VCF-style: chr4-84684118-A-G. GRCh37 (hg19) VCF-style: chr4-85605271-A-G.
Other names: short protein forms I3184T.
Identifiers: ClinVar variation 5017983 (VCV005017983.1).